The following is an entry in ClinVar:

NM_001323289.2(CDKL5):c.2408C>T (p.Thr803Met)

Gene: CDKL5 (cyclin dependent kinase like 5; plus strand). Cytogenetic location: Xp22.13.
Variant type: single nucleotide variant.
Coding change: c.2408C>T on transcript NM_001323289.2 (MANE Select); coding-DNA position 2408, C replaced by T.
Protein change: p.Thr803Met; replaces threonine 803 with methionine.
Molecular consequence: missense variant.
Genome position (GRCh38, 1-based): chrX:18,625,159, C>T. VCF-style: chrX-18625159-C-T. GRCh37 (hg19) VCF-style: chrX-18643279-C-T.
Other names: c.2408C>T, p.Thr803Met (NM_001037343.2, NM_003159.3); short protein forms T803M.
Identifiers: ClinVar variation 642554 (VCV000642554.16), dbSNP rs1005844306, ClinGen allele CA327008525.
Genomic context (GRCh38, chrX:18,625,159, plus strand): 5'-ATTGAATGCTTGTCCATATTTTGCTCTAGGTACCCAATTCCGACAGCCCTGATCTTCTGA[C>T]GTTGCAGAAATCCATTCATTCTGCTAGCACTCCAAGCAGCAGACCAAAGGAGTGGCGCCC-3'
Protein context (NP_001310218.1, residues 793-813): VPNSDSPDLL[Thr803Met]LQKSIHSAST

ClinVar aggregate classification (germline): Conflicting classifications of pathogenicity. Review status: criteria provided, conflicting classifications (1 of 4 stars). 4 submissions from 4 submitters: Uncertain significance (2); Likely benign (2). Last evaluated 2025-10-24.

Conditions:
Developmental and epileptic encephalopathy, 2 (DEE2). Also called: CDKL5 deficiency disorder; INFANTILE SPASM SYNDROME, X-LINKED 2. Identifiers: Orphanet 1934, Orphanet 3451, Orphanet 505652, MedGen C4750718, MONDO:0010396, OMIM 300672.
Angelman syndrome-like. Identifiers: MedGen CN128785.

Allele frequency attached by ClinVar (database versions not stated): gnomAD exomes 0.00001; gnomAD 0.00002; TOPMed 0.00003.
gnomAD v4.1: 9 of 1,204,012 alleles (0.00075%); highest among the groups gnomAD compares: Non-Finnish European, 0.001%; no homozygotes.

Submissions (4):

Women's Health and Genetics/Laboratory Corporation of America, LabCorp
Classification: Uncertain significance. Last evaluated: 2025-10-24. Review status: criteria provided, single submitter. Criteria: LabCorp Variant Classification Summary - May 2015. Collection method: clinical testing. Allele origin: germline.
Comment: Variant summary: CDKL5 c.2408C>T (p.Thr803Met) results in a non-conservative amino acid change in the encoded protein sequence. Algorithms developed to predict the effect of missense changes on protein structure and function are either unavailable or do not agree on the potential impact of this missense change. The variant allele was found at a frequency of 1.1e-05 in 182917 control chromosomes. The available data on variant occurrences in the general population are insufficient to allow any conclusion about variant significance. To our knowledge, no occurrence of c.2408C>T in individuals affected with CDKL5-related conditions and no experimental evidence demonstrating its impact on protein function have been reported. ClinVar contains an entry for this variant (Variation ID: 642554). Based on the evidence outlined above, the variant was classified as uncertain significance.

Labcorp Genetics (formerly Invitae), Labcorp
Classification: Likely benign for Developmental and epileptic encephalopathy, 2; Angelman syndrome-like. Last evaluated: 2025-07-20. Review status: criteria provided, single submitter. Criteria: Invitae Variant Classification Sherloc (09022015). Collection method: clinical testing. Allele origin: germline.

Centre for Mendelian Genomics, University Medical Centre Ljubljana
Classification: Uncertain significance for Developmental and epileptic encephalopathy, 2. Last evaluated: 2019-12-11. Review status: criteria provided, single submitter. Criteria: ACMG Guidelines, 2015. Collection method: clinical testing. Allele origin: unknown. Affected: yes.
Comment: This variant was classified as: Uncertain significance. The available evidence on this variant's pathogenicity is insufficient or conflicting. This variant was detected in hemizygous state.

Blueprint Genetics
Classification: Likely benign. Last evaluated: 2018-01-10. Review status: criteria provided, single submitter. Criteria: ACMG Guidelines, 2015. Collection method: clinical testing. Allele origin: germline.